The following is an entry in ClinVar:

ClinVar aggregate classification (germline): Uncertain significance. Review status: criteria provided, multiple submitters, no conflicts (2 of 4 stars). 2 submissions from 2 submitters: Uncertain significance (2). Last evaluated 2025-09-18.

Conditions:
Inborn genetic diseases. Identifiers: MedGen C0950123, MeSH D030342.

Allele frequency attached by ClinVar (database versions not stated): gnomAD 0.00004.
gnomAD v4.1: 58 of 1,551,508 alleles (0.0037%); highest among the groups gnomAD compares: Non-Finnish European, 0.0047%; no homozygotes.

Submissions (2):

Labcorp Genetics (formerly Invitae), Labcorp
Classification: Uncertain significance. Last evaluated: 2025-09-18. Review status: criteria provided, single submitter. Criteria: Invitae Variant Classification Sherloc (09022015). Collection method: clinical testing. Allele origin: germline.
Comment: This sequence change replaces serine, which is neutral and polar, with tyrosine, which is neutral and polar, at codon 2789 of the UNC80 protein (p.Ser2789Tyr). This variant is present in population databases (no rsID available, gnomAD 0.009%). This variant has not been reported in the literature in individuals affected with UNC80-related conditions. ClinVar contains an entry for this variant (Variation ID: 1391520). Invitae Evidence Modeling of protein sequence and biophysical properties (such as structural, functional, and spatial information, amino acid conservation, physicochemical variation, residue mobility, and thermodynamic stability) indicates that this missense variant is not expected to disrupt UNC80 protein function with a negative predictive value of 80%. In summary, the available evidence is currently insufficient to determine the role of this variant in disease. Therefore, it has been classified as a Variant of Uncertain Significance.

Ambry Genetics
Classification: Uncertain significance for Inborn genetic diseases. Last evaluated: 2022-10-12. Review status: criteria provided, single submitter. Criteria: Ambry Variant Classification Scheme 2023. Collection method: clinical testing. Allele origin: germline.

NM_001371986.1(UNC80):c.8564C>A (p.Ser2855Tyr)

Gene: UNC80 (unc-80 subunit of NALCN channel complex; plus strand). Cytogenetic location: 2q34.
Variant type: single nucleotide variant.
Coding change: c.8564C>A on transcript NM_001371986.1 (MANE Select); coding-DNA position 8564, C replaced by A.
Protein change: p.Ser2855Tyr; replaces serine 2855 with tyrosine.
Molecular consequence: missense variant.
Genome position (GRCh38, 1-based): chr2:209,973,247, C>A. VCF-style: chr2-209973247-C-A. GRCh37 (hg19) VCF-style: chr2-210837971-C-A.
Other names: c.8366C>A (NM_032504.1); c.8366C>A, p.Ser2789Tyr (NM_032504.2); c.8351C>A, p.Ser2784Tyr (NM_182587.4); short protein forms S2789Y, S2855Y, S2784Y.
Identifiers: ClinVar variation 1391520 (VCV001391520.7), dbSNP rs1381093816, ClinGen allele CA350413505.